The following is an entry in ClinVar:

NM_002519.3(NPAT):c.2141A>G (p.His714Arg)

Gene: NPAT (nuclear protein, coactivator of histone transcription; minus strand). Cytogenetic location: 11q22.3.
Variant type: single nucleotide variant.
Coding change: c.2141A>G on transcript NM_002519.3 (MANE Select); coding-DNA position 2141, A replaced by G.
Protein change: p.His714Arg; replaces histidine 714 with arginine.
Molecular consequence: missense variant.
Genome position (GRCh38, 1-based): chr11:108,172,843, T>C on the plus strand (A>G on the coding strand, the complement: NPAT is on the minus strand). VCF-style: chr11-108172843-T-C. GRCh37 (hg19) VCF-style: chr11-108043570-T-C.
Other names: c.2141A>G, p.His714Arg (NM_001321307.1); short protein forms H714R.
Identifiers: ClinVar variation 4732928 (VCV004732928.1).
Genomic context (GRCh38, chr11:108,172,843, plus strand): 5'-GCATCTATCTCTGCTGAGTTGTTGCTAGAAGGTTTATCATCAGTATTTTGGGACTCAGGG[T>C]GAGAATCTCCCACTGAAGAACACACAGATTCTGGAGGAAGAGAGTGACTGTTTTCTACAG-3'
Protein context (NP_002510.2, residues 704-724): ESVCSSVGDS[His714Arg]PESQNTDDKP

ClinVar aggregate classification (germline): Uncertain significance (1 of 4 stars; one submission).

Submission:

Labcorp Genetics (formerly Invitae), Labcorp
Classification: Uncertain significance. Last evaluated: 2025-12-10. Review status: criteria provided, single submitter. Criteria: Invitae Variant Classification Sherloc (09022015). Collection method: clinical testing. Allele origin: germline.
Comment: This sequence change replaces histidine, which is basic and polar, with arginine, which is basic and polar, at codon 714 of the NPAT protein (p.His714Arg). This variant is not present in population databases (gnomAD no frequency). This variant has not been reported in the literature in individuals affected with NPAT-related conditions. An algorithm developed to predict the effect of missense changes on protein structure and function outputs the following: PolyPhen-2: "Benign". The arginine amino acid residue is found in multiple mammalian species, which suggests that this missense change does not adversely affect protein function. In summary, the available evidence is currently insufficient to determine the role of this variant in disease. Therefore, it has been classified as a Variant of Uncertain Significance.